The following is an entry in ClinVar:

Conditions:
Long QT syndrome 5 (LQT5). Identifiers: Orphanet 101016, Orphanet 768, MedGen C1867904, MONDO:0013372, OMIM 613695.

Submission:

Roden Lab, Vanderbilt University Medical Center
No classification provided (evidence only). Condition: Long QT syndrome 5. Review status: no classification provided. Collection method: in vitro. Allele origin: not applicable. Functional consequence: Effect on ion channel function.
ClinVar note: "not provided" was previously submitted as the classification for the variant. However, the classification appeared to be based only on an observation of functional data so it was converted to no classification on 2025-07-30.

NM_000219.6(KCNE1):c.103C>A (p.Pro35Thr)

Gene: KCNE1 (potassium voltage-gated channel subfamily E regulatory subunit 1; minus strand). Cytogenetic location: 21q22.12.
Variant type: single nucleotide variant.
Coding change: c.103C>A on transcript NM_000219.6 (MANE Select); coding-DNA position 103, C replaced by A.
Protein change: p.Pro35Thr; replaces proline 35 with threonine.
Molecular consequence: missense variant.
Genome position (GRCh38, 1-based): chr21:34,449,532, G>T on the plus strand (C>A on the coding strand, the complement: KCNE1 is on the minus strand). VCF-style: chr21-34449532-G-T. GRCh37 (hg19) VCF-style: chr21-35821830-G-T.
Other names: c.103C>A, p.Pro35Thr (NM_001127668.4, NM_001127669.4, NM_001127670.4 and 4 more transcripts); short protein forms P35T.
Identifiers: ClinVar variation 3374057 (VCV003374057.2).